The following is an entry in ClinVar:

ClinVar aggregate classification (germline): Uncertain significance. Review status: criteria provided, multiple submitters, no conflicts (2 of 4 stars). 2 submissions from 2 submitters: Uncertain significance (2). Last evaluated 2022-07-28.

Allele frequency attached by ClinVar (database versions not stated): ExAC 0.00002; ESP Exome Variant Server 0.00016.

Submissions (2):

Labcorp Genetics (formerly Invitae), Labcorp
Classification: Uncertain significance. Last evaluated: 2022-07-28. Review status: criteria provided, single submitter. Criteria: Invitae Variant Classification Sherloc (09022015). Collection method: clinical testing. Allele origin: germline.
Comment: This sequence change replaces leucine, which is neutral and non-polar, with isoleucine, which is neutral and non-polar, at codon 134 of the SLC39A7 protein (p.Leu134Ile). This variant is present in population databases (rs374696124, gnomAD 0.006%). This variant has not been reported in the literature in individuals affected with SLC39A7-related conditions. Algorithms developed to predict the effect of missense changes on protein structure and function (SIFT, PolyPhen-2, Align-GVGD) all suggest that this variant is likely to be tolerated. In summary, the available evidence is currently insufficient to determine the role of this variant in disease. Therefore, it has been classified as a Variant of Uncertain Significance.

Ambry Genetics
Classification: Uncertain significance. Last evaluated: 2021-09-27. Review status: criteria provided, single submitter. Criteria: Ambry Variant Classification Scheme 2023. Collection method: clinical testing. Allele origin: germline.

NM_006979.3(SLC39A7):c.400C>A (p.Leu134Ile)

Gene: SLC39A7 (solute carrier family 39 member 7; plus strand). Cytogenetic location: 6p21.32.
Variant type: single nucleotide variant.
Coding change: c.400C>A on transcript NM_006979.3 (MANE Select); coding-DNA position 400, C replaced by A.
Protein change: p.Leu134Ile; replaces leucine 134 with isoleucine.
Molecular consequence: missense variant. On other transcripts: intron variant (1).
Genome position (GRCh38, 1-based): chr6:33,201,645, C>A. VCF-style: chr6-33201645-C-A. GRCh37 (hg19) VCF-style: chr6-33169422-C-A.
Other names: c.400C>A, p.Leu134Ile (NM_001077516.2); c.53-116C>A (NM_001288777.2); c.400C>A (NM_006979.2); short protein forms L134I.
Identifiers: ClinVar variation 2223688 (VCV002223688.5), dbSNP rs374696124, ClinGen allele CA3752237.
Genomic context (GRCh38, chr6:33,201,645, plus strand): 5'-CATGGAGGCTATGGGGAGTCTGGGGCTCCAGGCATCAAGCAGGACCTGGATGCTGTCACT[C>A]TCTGGGCTTATGTGAGTCTCCAGGGGATGGGAGAGAGAAGGGCTGGTTCTGGATTGTTGG-3'
Protein context (NP_008910.2, residues 124-144): GIKQDLDAVT[Leu134Ile]WAYALGATVL